The following is an entry in ClinVar:

ClinVar aggregate classification (germline): Uncertain significance (1 of 4 stars; one submission).

Submission:

GeneDx
Classification: Uncertain significance. Last evaluated: 2024-05-06. Review status: criteria provided, single submitter. Criteria: GeneDx Variant Classification Process June 2021. Collection method: clinical testing. Allele origin: germline. Affected: yes.
Comment: Not observed at significant frequency in large population cohorts (gnomAD); In silico analysis indicates that this missense variant does not alter protein structure/function; Has not been previously published as pathogenic or benign to our knowledge

NM_001851.6(COL9A1):c.249G>T (p.Leu83Phe)

Gene: COL9A1 (collagen type IX alpha 1 chain; minus strand). Cytogenetic location: 6q13.
Variant type: single nucleotide variant.
Coding change: c.249G>T on transcript NM_001851.6 (MANE Select); coding-DNA position 249, G replaced by T.
Protein change: p.Leu83Phe; replaces leucine 83 with phenylalanine.
Molecular consequence: missense variant.
Genome position (GRCh38, 1-based): chr6:70,300,093, C>A on the plus strand (G>T on the coding strand, the complement: COL9A1 is on the minus strand). VCF-style: chr6-70300093-C-A. GRCh37 (hg19) VCF-style: chr6-71009796-C-A.
Other names: c.249G>T, p.Leu83Phe (NM_001377291.1); short protein forms L83F.
Identifiers: ClinVar variation 3375832 (VCV003375832.1).